The following is an entry in ClinVar:

ClinVar aggregate classification (germline): Uncertain significance (1 of 4 stars; one submission).

Submission:

GeneDx
Classification: Uncertain significance. Last evaluated: 2022-09-12. Review status: criteria provided, single submitter. Criteria: GeneDx Variant Classification Process June 2021. Collection method: clinical testing. Allele origin: germline. Affected: yes.
Comment: Not observed at significant frequency in large population cohorts (gnomAD); In silico analysis supports that this missense variant has a deleterious effect on protein structure/function; Has not been previously published as pathogenic or benign to our knowledge

NM_018136.5(ASPM):c.5694T>G (p.His1898Gln)

Gene: ASPM (assembly factor for spindle microtubules; minus strand). Cytogenetic location: 1q31.3.
Variant type: single nucleotide variant.
Coding change: c.5694T>G on transcript NM_018136.5 (MANE Select); coding-DNA position 5694, T replaced by G.
Protein change: p.His1898Gln; replaces histidine 1898 with glutamine.
Molecular consequence: missense variant. On other transcripts: intron variant (1).
Genome position (GRCh38, 1-based): chr1:197,103,557, A>C on the plus strand (T>G on the coding strand, the complement: ASPM is on the minus strand). VCF-style: chr1-197103557-A-C. GRCh37 (hg19) VCF-style: chr1-197072687-A-C.
Other names: c.4066-7393T>G (NM_001206846.2); short protein forms H1898Q.
Identifiers: ClinVar variation 2443510 (VCV002443510.1), dbSNP rs2527300395, ClinGen allele CA344024750.